The following is an entry in ClinVar:

ClinVar aggregate classification (germline): Uncertain significance. Review status: criteria provided, multiple submitters, no conflicts (2 of 4 stars). 2 submissions from 2 submitters: Uncertain significance (2). Last evaluated 2023-12-05.

Conditions:
Hereditary cancer-predisposing syndrome. Also called: Tumor predisposition; Neoplastic Syndromes, Hereditary; Hereditary Cancer Syndrome; Hereditary neoplastic syndrome. Identifiers: Orphanet 140162, MedGen C0027672, MeSH D009386, MONDO:0015356.
Ataxia-telangiectasia syndrome (AT). Also called: ATAXIA-TELANGIECTASIA, COMPLEMENTATION GROUP A; ATAXIA-TELANGIECTASIA, FRESNO VARIANT; LOUIS-BAR SYNDROME; Ataxia telangiectasia (A-T); Cerebello-oculocutaneous telangiectasia; Immunodeficiency with ataxia telangiectasia. Identifiers: Orphanet 100, MedGen C0004135, MONDO:0008840, OMIM 208900.

Submissions (2):

Color Diagnostics, LLC DBA Color Health
Classification: Uncertain significance for Hereditary cancer-predisposing syndrome. Last evaluated: 2023-12-05. Review status: criteria provided, single submitter. Criteria: ACMG Guidelines, 2015. Collection method: clinical testing. Allele origin: germline.
Comment: This missense variant replaces glycine with arginine at codon 1868 of the ATM protein. Computational prediction suggests that this variant may not impact protein structure and function (internally defined REVEL score threshold <= 0.5, PMID: 27666373). To our knowledge, functional studies have not been reported for this variant. This variant has not been reported in individuals affected with ATM-related disorders in the literature. This variant has not been identified in the general population by the Genome Aggregation Database (gnomAD). The available evidence is insufficient to determine the role of this variant in disease conclusively. Therefore, this variant is classified as a Variant of Uncertain Significance.

Labcorp Genetics (formerly Invitae), Labcorp
Classification: Uncertain significance for Ataxia-telangiectasia syndrome. Last evaluated: 2021-03-07. Review status: criteria provided, single submitter. Criteria: Invitae Variant Classification Sherloc (09022015). Collection method: clinical testing. Allele origin: germline.
Comment: In summary, the available evidence is currently insufficient to determine the role of this variant in disease. Therefore, it has been classified as a Variant of Uncertain Significance. Advanced modeling of protein sequence and biophysical properties (such as structural, functional, and spatial information, amino acid conservation, physicochemical variation, residue mobility, and thermodynamic stability) performed at Invitae indicates that this missense variant is not expected to disrupt ATM protein function. This variant has not been reported in the literature in individuals with ATM-related conditions. ClinVar contains an entry for this variant (Variation ID: 628138). This variant is not present in population databases (ExAC no frequency). This sequence change replaces glycine with arginine at codon 1868 of the ATM protein (p.Gly1868Arg). The glycine residue is moderately conserved and there is a moderate physicochemical difference between glycine and arginine.

NM_000051.4(ATM):c.5602G>A (p.Gly1868Arg)

Gene: ATM (ATM serine/threonine kinase; plus strand). Cytogenetic location: 11q22.3.
Variant type: single nucleotide variant.
Coding change: c.5602G>A on transcript NM_000051.4 (MANE Select); coding-DNA position 5602, G replaced by A.
Protein change: p.Gly1868Arg; replaces glycine 1868 with arginine.
Molecular consequence: missense variant.
Genome position (GRCh38, 1-based): chr11:108,304,780, G>A. VCF-style: chr11-108304780-G-A. GRCh37 (hg19) VCF-style: chr11-108175507-G-A.
Other names: c.5602G>A, p.Gly1868Arg (NM_001351834.2); short protein forms G1868R.
Identifiers: ClinVar variation 628138 (VCV000628138.12), dbSNP rs1565482078, ClinGen allele CA382546243.
Genomic context (GRCh38, chr11:108,304,780, plus strand): 5'-GATATTTTACTCCAAGATACAAATGAATCATGGAGAAATCTGCTTTCTACACATGTTCAG[G>A]GATTTTTCACCAGCTGTCTTCGACACTTCTCGCAAACGAGCCGATCCACAACCCCTGCAA-3'
Protein context (NP_000042.3, residues 1858-1878): WRNLLSTHVQ[Gly1868Arg]FFTSCLRHFS